The following is an entry in ClinVar:

ClinVar aggregate classification (germline): Conflicting classifications of pathogenicity. Review status: criteria provided, conflicting classifications (1 of 4 stars). 2 submissions from 2 submitters: Uncertain significance (1); Likely benign (1). Last evaluated 2026-09-11.

Conditions:
Gastrointestinal stromal tumor. Also called: Gastrointestinal stromal tumor, somatic; Gastrointestinal stroma tumor. Identifiers: Orphanet 44890, MedGen C0238198, MeSH D046152, MONDO:0011719, OMIM 606764, HP:0100723.
Hereditary cancer-predisposing syndrome. Also called: Hereditary Cancer Syndrome; Tumor predisposition; Neoplastic Syndromes, Hereditary; Hereditary neoplastic syndrome. Identifiers: Orphanet 140162, MedGen C0027672, MeSH D009386, MONDO:0015356.

gnomAD v4.1: 1 of 1,614,186 alleles (0.000062%); highest among the groups gnomAD compares: African/African-American, 0.0013%; no homozygotes.

Submissions (2):

Ambry Genetics
Classification: Likely benign for Hereditary cancer-predisposing syndrome. Last evaluated: 2026-09-11. Review status: criteria provided, single submitter. Criteria: Ambry Variant Classification Scheme 2023. Collection method: clinical testing. Allele origin: germline.

Labcorp Genetics (formerly Invitae), Labcorp
Classification: Uncertain significance for Gastrointestinal stromal tumor. Last evaluated: 2021-09-16. Review status: criteria provided, single submitter. Criteria: Invitae Variant Classification Sherloc (09022015). Collection method: clinical testing. Allele origin: germline.
Comment: In summary, the available evidence is currently insufficient to determine the role of this variant in disease. Therefore, it has been classified as a Variant of Uncertain Significance. Algorithms developed to predict the effect of missense changes on protein structure and function output the following: SIFT: "Tolerated"; PolyPhen-2: "Benign"; Align-GVGD: "Class C0". The aspartic acid amino acid residue is found in multiple mammalian species, which suggests that this missense change does not adversely affect protein function. This variant has not been reported in the literature in individuals affected with PDGFRA-related conditions. This variant is not present in population databases (ExAC no frequency). This sequence change replaces glutamic acid with aspartic acid at codon 298 of the PDGFRA protein (p.Glu298Asp). The glutamic acid residue is moderately conserved and there is a small physicochemical difference between glutamic acid and aspartic acid.

NM_006206.6(PDGFRA):c.894G>C (p.Glu298Asp)

Gene: PDGFRA (platelet derived growth factor receptor alpha; plus strand). Cytogenetic location: 4q12.
Variant type: single nucleotide variant.
Coding change: c.894G>C on transcript NM_006206.6 (MANE Select); coding-DNA position 894, G replaced by C.
Protein change: p.Glu298Asp; replaces glutamic acid 298 with aspartic acid.
Molecular consequence: missense variant.
Genome position (GRCh38, 1-based): chr4:54,267,423, G>C. VCF-style: chr4-54267423-G-C. GRCh37 (hg19) VCF-style: chr4-55133590-G-C.
Other names: c.894G>C, p.Glu298Asp (NM_001347827.2, NM_001347829.2); c.969G>C, p.Glu323Asp (NM_001347828.2); c.933G>C, p.Glu311Asp (NM_001347830.2); c.894G>C (NM_006206.4); short protein forms E323D, E298D, E311D.
Identifiers: ClinVar variation 1475675 (VCV001475675.7), dbSNP rs1253098644, ClinGen allele CA356891335.
Genomic context (GRCh38, chr4:54,267,423, plus strand): 5'-CGAGGCCACGGTGAAAGACAGTGGAGATTACGAATGTGCTGCCCGCCAGGCTACCAGGGA[G>C]GTCAAAGAAATGAAGAAAGTCACTATTTCTGTCCATGGTACATTCCGCTTTCTAAAATGT-3'
Protein context (NP_006197.1, residues 288-308): YECAARQATR[Glu298Asp]VKEMKKVTIS